The following is an entry in ClinVar:

NM_001033057.2(MAGI1):c.2290A>C (p.Thr764Pro)

Gene: MAGI1 (membrane associated guanylate kinase, WW and PDZ domain containing 1; minus strand). Cytogenetic location: 3p14.1.
Variant type: single nucleotide variant.
Coding change: c.2290A>C on transcript NM_001033057.2 (MANE Select); coding-DNA position 2290, A replaced by C.
Protein change: p.Thr764Pro; replaces threonine 764 with proline.
Molecular consequence: missense variant.
Genome position (GRCh38, 1-based): chr3:65,391,268, T>G on the plus strand (A>C on the coding strand, the complement: MAGI1 is on the minus strand). VCF-style: chr3-65391268-T-G. GRCh37 (hg19) VCF-style: chr3-65376943-T-G.
Other names: c.2293A>C, p.Thr765Pro (NM_001365903.2, NM_001365904.2, NM_001365905.1); c.2290A>C, p.Thr764Pro (NM_004742.3, NM_015520.2); short protein forms T764P, T765P.
Identifiers: ClinVar variation 3388001 (VCV003388001.14).

ClinVar aggregate classification (germline): Benign (1 of 4 stars; one submission).

gnomAD v4.1: 2,774 of 1,614,166 alleles (0.17%); highest among the groups gnomAD compares: Middle Eastern, 2.3%; 16 homozygotes.

Submission:

CeGaT Center for Human Genetics Tuebingen
Classification: Benign. Last evaluated: 2026-09-01. Review status: criteria provided, single submitter. Criteria: CeGaT Center For Human Genetics Tuebingen Variant Classification Criteria Version 2. Collection method: clinical testing. Allele origin: germline. Affected: yes. Observed: 3 variant alleles.
Comment: MAGI1: BP4, BS1, BS2